The following is an entry in ClinVar:

NM_024818.6(UBA5):c.479dup (p.Met161fs)

Genes: NPHP3-ACAD11 (NPHP3-ACAD11 readthrough (NMD candidate); minus strand), UBA5 (ubiquitin like modifier activating enzyme 5; plus strand). Cytogenetic location: 3q22.1.
Variant type: Duplication.
Coding change: c.479dup on transcript NM_024818.6 (MANE Select); coding-DNA position 479, one base duplicated (T; older notation c.479dupT).
Protein change: p.Met161fs; shifts the reading frame from methionine 161.
Molecular consequence: frameshift variant.
Genome position (GRCh38, 1-based): chr3:132,670,269, T duplicated; the last of 3 consecutive T bases (chr3:132,670,267-132,670,269); duplicating any one gives the same sequence. VCF-style (leftmost placement, unchanged base first): chr3-132670266-A-AT. GRCh37 (hg19) VCF-style: chr3-132389110-A-AT.
Other names: c.311dup, p.Met105fs (NM_001320210.2, NM_198329.4); c.209dup, p.Met71fs (NM_001321238.2); c.143dup, p.Met49fs (NM_001321239.1); short protein forms M161fs, M71fs, M105fs, M49fs.
Identifiers: ClinVar variation 1436251 (VCV001436251.6), dbSNP rs2107939877, ClinGen allele CA2573136635.

ClinVar aggregate classification (germline): Pathogenic (1 of 4 stars; one submission).

Submission:

Labcorp Genetics (formerly Invitae), Labcorp
Classification: Pathogenic. Last evaluated: 2021-09-18. Review status: criteria provided, single submitter. Criteria: Invitae Variant Classification Sherloc (09022015). Collection method: clinical testing. Allele origin: germline.
Comment: This sequence change creates a premature translational stop signal (p.Met161Hisfs*3) in the UBA5 gene. It is expected to result in an absent or disrupted protein product. Loss-of-function variants in UBA5 are known to be pathogenic (PMID: 27545674, 27545681). This variant is not present in population databases (ExAC no frequency). This variant has not been reported in the literature in individuals affected with UBA5-related conditions. For these reasons, this variant has been classified as Pathogenic.

Literature cited by the submitters: PubMed 27545674; PubMed 27545681.